The following is an entry in ClinVar:

ClinVar aggregate classification (germline): Likely pathogenic (1 of 4 stars; one submission).

Conditions:
Junctional epidermolysis bullosa. Identifiers: Orphanet 305, MedGen C0079301, MONDO:0017612.

gnomAD v4.1: 1 of 1,613,958 alleles (0.000062%); highest among the groups gnomAD compares: South Asian, 0.0011%; no homozygotes.

Submission:

Women's Health and Genetics/Laboratory Corporation of America, LabCorp
Classification: Likely pathogenic for Junctional epidermolysis bullosa. Last evaluated: 2022-12-02. Review status: criteria provided, single submitter. Criteria: LabCorp Variant Classification Summary - May 2015. Collection method: clinical testing. Allele origin: germline.
Comment: Variant summary: LAMA3 c.4035+1G>A is located in a canonical splice-site and is predicted to affect mRNA splicing resulting in a significantly altered protein due to either exon skipping, shortening, or inclusion of intronic material. Several computational tools predict a significant impact on normal splicing: Four predict the variant abolishes a 5 prime splicing donor site. However, these predictions have yet to be confirmed by functional studies. The variant was absent in 251422 control chromosomes. To our knowledge, no occurrence of c.4035+1G>A in individuals affected with Junctional Epidermolysis Bullosa and no experimental evidence demonstrating its impact on protein function have been reported. No clinical diagnostic laboratories have submitted clinical-significance assessments for this variant to ClinVar after 2014. Based on the evidence outlined above, the variant was classified as likely pathogenic.

NM_198129.4(LAMA3):c.8862+1G>A

Gene: LAMA3 (laminin subunit alpha 3; plus strand). Cytogenetic location: 18q11.2.
Variant type: single nucleotide variant.
Coding change: c.8862+1G>A on transcript NM_198129.4 (MANE Select); the canonical splice donor site of the intron after coding-DNA position 8862, G replaced by A.
Molecular consequence: splice donor variant.
Genome position (GRCh38, 1-based): chr18:23,933,936, G>A. VCF-style: chr18-23933936-G-A. GRCh37 (hg19) VCF-style: chr18-21513900-G-A.
Other names: c.8694+1G>A (NM_001127717.4); c.4035+1G>A (NM_000227.6); c.3867+1G>A (NM_001127718.4).
Identifiers: ClinVar variation 1878277 (VCV001878277.1), dbSNP rs2511581197, ClinGen allele CA402067787.